The following is an entry in ClinVar:

ClinVar aggregate classification (germline): Uncertain significance (1 of 4 stars; one submission).

Conditions:
Inborn genetic diseases. Identifiers: MedGen C0950123, MeSH D030342.

Submission:

Ambry Genetics
Classification: Uncertain significance for Inborn genetic diseases. Last evaluated: 2026-08-14. Review status: criteria provided, single submitter. Criteria: Ambry Variant Classification Scheme 2023. Collection method: clinical testing. Allele origin: germline.
Comment: The p.S112G variant (also known as c.334A>G), located in coding exon 2 of the MBD4 gene, results from an A to G substitution at nucleotide position 334. The serine at codon 112 is replaced by glycine, an amino acid with similar properties. This nucleotide position is highly conserved in available vertebrate species. In silico splice site analysis predicts that this alteration may weaken the native splice donor site; however, direct evidence is insufficient at this time (Ambry internal data). Based on the available evidence, the clinical significance of this variant remains unclear.

NM_001276270.2(MBD4):c.334A>G (p.Ser112Gly)

Gene: MBD4 (methyl-CpG binding domain 4, DNA glycosylase; minus strand). Cytogenetic location: 3q21.3.
Variant type: single nucleotide variant.
Coding change: c.334A>G on transcript NM_001276270.2 (MANE Select); coding-DNA position 334, A replaced by G.
Protein change: p.Ser112Gly; replaces serine 112 with glycine.
Molecular consequence: missense variant. On other transcripts: intron variant (1).
Genome position (GRCh38, 1-based): chr3:129,437,721, T>C on the plus strand (A>G on the coding strand, the complement: MBD4 is on the minus strand). VCF-style: chr3-129437721-T-C. GRCh37 (hg19) VCF-style: chr3-129156564-T-C.
Other names: c.334A>G, p.Ser112Gly (NM_001276271.2, NM_001276272.2, NM_003925.3); c.247+87A>G (NM_001276273.2); short protein forms S112G.
Identifiers: ClinVar variation 5024016 (VCV005024016.1).